The following is an entry in ClinVar:

ClinVar aggregate classification (germline): Benign/Likely benign. Review status: criteria provided, multiple submitters, no conflicts (2 of 4 stars). 5 submissions from 5 submitters: Benign (1); Likely benign (4). Last evaluated 2026-04-24.

Conditions:
APC-related disorder. Also called: APC-related condition.
Hereditary cancer-predisposing syndrome. Also called: Tumor predisposition; Hereditary neoplastic syndrome; Neoplastic Syndromes, Hereditary; Hereditary Cancer Syndrome. Identifiers: Orphanet 140162, MedGen C0027672, MeSH D009386, MONDO:0015356.
Familial adenomatous polyposis 1 (FAP1). Also called: POLYPOSIS, ADENOMATOUS INTESTINAL; FAMILIAL ADENOMATOUS POLYPOSIS 1, ATTENUATED. Identifiers: MedGen C2713442, MONDO:0021056, OMIM 175100. Disease mechanism: loss of function.

Allele frequency attached by ClinVar (database versions not stated): gnomAD exomes below 0.00001; TOPMed below 0.00001.
gnomAD v4.1: 1 of 1,614,010 alleles (0.000062%); highest among the groups gnomAD compares: East Asian, 0.0022%; no homozygotes.

Submissions (5):

PreventionGenetics, part of Exact Sciences
Classification: Likely benign for APC-related condition. Last evaluated: 2026-04-24. Review status: criteria provided, single submitter. Criteria: ACMG Guidelines, 2015. Collection method: clinical testing. Allele origin: germline.
Comment: This variant is classified as likely benign based on ACMG/AMP sequence variant interpretation guidelines (Richards et al. 2015 PMID: 25741868, with internal and published modifications).

Labcorp Genetics (formerly Invitae), Labcorp
Classification: Likely benign for Familial adenomatous polyposis 1. Last evaluated: 2025-05-25. Review status: criteria provided, single submitter. Criteria: Invitae Variant Classification Sherloc (09022015). Collection method: clinical testing. Allele origin: germline.

Myriad Genetics, Inc.
Classification: Benign for Familial adenomatous polyposis 1. Last evaluated: 2024-03-28. Review status: criteria provided, single submitter. Criteria: Myriad Autosomal Dominant, Autosomal Recessive and X-Linked Classification Criteria (2023). Collection method: clinical testing. Allele origin: unknown.
Comment: This variant is considered benign. This variant is a silent/synonymous amino acid change and it is not expected to impact splicing.

Color Diagnostics, LLC DBA Color Health
Classification: Likely benign for Hereditary cancer-predisposing syndrome. Last evaluated: 2016-05-03. Review status: criteria provided, single submitter. Criteria: ACMG Guidelines, 2015. Collection method: clinical testing. Allele origin: germline.

Ambry Genetics
Classification: Likely benign for Hereditary cancer-predisposing syndrome. Last evaluated: 2016-03-24. Review status: criteria provided, single submitter. Criteria: Ambry Variant Classification Scheme 2023. Collection method: clinical testing. Allele origin: germline.

NM_000038.6(APC):c.5052T>C (p.Phe1684=)

Gene: APC (APC regulator of Wnt signaling pathway; plus strand). Cytogenetic location: 5q22.2.
Variant type: single nucleotide variant.
Coding change: c.5052T>C on transcript NM_000038.6 (MANE Select); coding-DNA position 5052, T replaced by C.
Protein change: p.Phe1684=; no amino-acid change (phenylalanine 1684 retained).
Molecular consequence: synonymous variant.
Genome position (GRCh38, 1-based): chr5:112,840,646, T>C. VCF-style: chr5-112840646-T-C. GRCh37 (hg19) VCF-style: chr5-112176343-T-C.
Other names: c.5052T>C, p.Phe1684= (NM_001127510.3, NM_001354895.2); c.4998T>C, p.Phe1666= (NM_001127511.3); c.5106T>C, p.Phe1702= (NM_001354896.2); c.5082T>C, p.Phe1694= (NM_001354897.2); c.4977T>C, p.Phe1659= (NM_001354898.2); c.4968T>C, p.Phe1656= (NM_001354899.2); c.4929T>C, p.Phe1643= (NM_001354900.2); c.4875T>C, p.Phe1625= (NM_001354901.2); and 5 more.
Identifiers: ClinVar variation 469988 (VCV000469988.19), dbSNP rs1489564235, ClinGen allele CA446209541.